The following is an entry in ClinVar:

ClinVar aggregate classification (germline): Likely pathogenic (1 of 4 stars; one submission).

Conditions:
Neurodevelopmental disorder with motor and language delay, ocular defects, and brain abnormalities (NEDMLOB). Identifiers: MedGen C5830596, MONDO:0957386, OMIM 620428.

Submission:

Victorian Clinical Genetics Services, Murdoch Childrens Research Institute
Classification: Likely pathogenic for Neurodevelopmental disorder with motor and language delay, ocular defects, and brain abnormalities. Last evaluated: 2024-10-08. Review status: criteria provided, single submitter. Criteria: ACMG Guidelines, 2015. Collection method: clinical testing. Allele origin: germline. Inheritance: Autosomal recessive inheritance.
Comment: Based on the classification scheme VCGS_Germline_v1.3.4, this variant is classified as likely pathogenic. Following criteria are met: 0102 - Loss of function is a known mechanism of disease in this gene and is associated with Neurodevelopmental disorder with motor and language delay, ocular defects, and brain abnormalities (MIM#620428). (I) 0106 - This gene is associated with autosomal recessive disease. (I) 0205 - Variant is predicted to result in a truncated protein (premature termination codon is NOT located at least 54 nucleotides upstream of the final exon-exon junction) with less than 1/3 of the protein sequence affected. (SP) 0251 - This variant is heterozygous. (I) 0304 - Variant is present in gnomAD <0.01 for a recessive condition (4 heterozygotes, 0 homozygotes). (SP) 0600 - Variant is located in the affected C-terminal domain (DECIPHER). (I) 0704 - Another protein truncating variant comparable to the one identified in this case has limited previous evidence for pathogenicity. The comparable p.(Val557Aspfs*14) variant was identified in a compound heterozygous individual with severe global developmental delay, mild to moderate intellectual disability, language delay and moderate cerebellar atrophy (PMID:37054711). (SP) 0803 - This variant has limited previous evidence of pathogenicity in unrelated individuals. Two siblings from a single family were reported as compound heterozygous for this variant. Both of these individuals had severe global developmental delay, intellectual disability, language delay, brain abnormalities on MRI, hypotonia and seizures (PMID:37054711) . (SP) 1007 - No published functional evidence has been identified for this variant. (I) Legend: (SP) - Supporting pathogenic, (I) - Information, (SB) - Supporting benign

Literature cited by the submitters: PubMed 37054711.

NM_017871.6(INTS11):c.1560_1561del (p.Arg521fs)

Gene: INTS11 (integrator complex subunit 11; minus strand). Cytogenetic location: 1p36.33.
Variant type: Microsatellite.
Coding change: c.1560_1561del on transcript NM_017871.6 (MANE Select); coding-DNA positions 1560 to 1561, 2 bases deleted (AC; older notation c.1560_1561delAC).
Protein change: p.Arg521fs; shifts the reading frame from arginine 521.
Molecular consequence: frameshift variant.
Genome position (GRCh38, 1-based): chr1:1,312,272-1,312,273, GT deleted on the plus strand (AC on the coding strand, the reverse complement: INTS11 is on the minus strand); deleting any 2 consecutive bases within chr1:1,312,272-1,312,277 gives the same sequence; the c. name uses the placement nearest the transcript's 3' end. VCF-style (leftmost placement, unchanged base first): chr1-1312271-CGT-C. GRCh37 (hg19) VCF-style: chr1-1247651-CGT-C.
Other names: c.1578_1579del, p.Arg527fs (NM_001256456.2); c.1473_1474del, p.Arg492fs (NM_001256460.2); c.1266_1267del, p.Arg423fs (NM_001256462.2); c.1257_1258del, p.Arg420fs (NM_001256463.2); short protein forms R420fs, R423fs, R492fs, R521fs, R527fs.
Identifiers: ClinVar variation 3376978 (VCV003376978.1).